The following is an entry in ClinVar:

NM_000083.3(CLCN1):c.759C>G (p.Phe253Leu)

Gene: CLCN1 (chloride voltage-gated channel 1; plus strand). Cytogenetic location: 7q34.
Variant type: single nucleotide variant.
Coding change: c.759C>G on transcript NM_000083.3 (MANE Select); coding-DNA position 759, C replaced by G.
Protein change: p.Phe253Leu; replaces phenylalanine 253 with leucine.
Molecular consequence: missense variant. On other transcripts: non-coding transcript variant (1).
Genome position (GRCh38, 1-based): chr7:143,323,371, C>G. VCF-style: chr7-143323371-C-G. GRCh37 (hg19) VCF-style: chr7-143020464-C-G.
Other names: short protein forms F253L.
Identifiers: ClinVar variation 2029305 (VCV002029305.4), dbSNP rs748053186, ClinGen allele CA4537070.

ClinVar aggregate classification (germline): Uncertain significance (1 of 4 stars; one submission).

Conditions:
Congenital myotonia, autosomal recessive form. Also called: BECKER DISEASE; Becker Generalized Myotonia; myotonia congenita, autosomal recessive. Identifiers: Orphanet 614, MedGen C0751360, MONDO:0009715, OMIM 255700.
Congenital myotonia, autosomal dominant form (THD). Also called: THOMSEN DISEASE; Myotonia congenita autosomal dominant. Identifiers: Orphanet 614, MedGen C2936781, MONDO:0008055, OMIM 160800.

Allele frequency attached by ClinVar (database versions not stated): ExAC 0.00001; TOPMed 0.00001.
gnomAD v4.1: 4 of 1,612,834 alleles (0.00025%); highest among the groups gnomAD compares: Admixed American, 0.0067%; no homozygotes.

Submission:

Labcorp Genetics (formerly Invitae), Labcorp
Classification: Uncertain significance for Congenital myotonia, autosomal recessive form; Congenital myotonia, autosomal dominant form. Last evaluated: 2024-02-25. Review status: criteria provided, single submitter. Criteria: Invitae Variant Classification Sherloc (09022015). Collection method: clinical testing. Allele origin: germline.
Comment: This sequence change replaces phenylalanine, which is neutral and non-polar, with leucine, which is neutral and non-polar, at codon 253 of the CLCN1 protein (p.Phe253Leu). This variant is present in population databases (rs748053186, gnomAD 0.009%). This variant has not been reported in the literature in individuals affected with CLCN1-related conditions. ClinVar contains an entry for this variant (Variation ID: 2029305). Algorithms developed to predict the effect of missense changes on protein structure and function output the following: SIFT: "Not Available"; PolyPhen-2: "Benign"; Align-GVGD: "Not Available". The leucine amino acid residue is found in multiple mammalian species, which suggests that this missense change does not adversely affect protein function. Algorithms developed to predict the effect of sequence changes on RNA splicing suggest that this variant may disrupt the consensus splice site. In summary, the available evidence is currently insufficient to determine the role of this variant in disease. Therefore, it has been classified as a Variant of Uncertain Significance.